The following is an entry in ClinVar:

ClinVar aggregate classification (germline): Uncertain significance. Review status: criteria provided, multiple submitters, no conflicts (2 of 4 stars). 3 submissions from 3 submitters: Uncertain significance (3). Last evaluated 2024-01-12.

Conditions:
Glomerulopathy with fibronectin deposits 2 (GFND2). Identifiers: Orphanet 84090, MedGen C1866075, MONDO:0011165, OMIM 601894.
Spondylometaphyseal dysplasia - Sutcliffe type. Also called: Sutcliffe type of spondylometaphyseal dysplasia; Sutcliffe SMD; Spondylometaphyseal dysplasia, 'corner fracture' type; Spondylometaphyseal Dysplasia, Corner Fracture Type. Identifiers: Orphanet 93315, MedGen C0432221, MONDO:0008479, OMIM 184255.
Inborn genetic diseases. Identifiers: MedGen C0950123, MeSH D030342.

Allele frequency attached by ClinVar (database versions not stated): gnomAD 0.00001; gnomAD exomes 0.00001; TOPMed 0.00002.
gnomAD v4.1: 8 of 1,572,624 alleles (0.00051%); highest among the groups gnomAD compares: Admixed American, 0.0019%; no homozygotes.

Submissions (3):

Fulgent Genetics
Classification: Uncertain significance for Spondylometaphyseal dysplasia - Sutcliffe type; Glomerulopathy with fibronectin deposits 2. Last evaluated: 2024-01-12. Review status: criteria provided, single submitter. Criteria: ACMG Guidelines, 2015. Collection method: clinical testing. Allele origin: germline.

Ambry Genetics
Classification: Uncertain significance for Inborn genetic diseases. Last evaluated: 2023-09-20. Review status: criteria provided, single submitter. Criteria: Ambry Variant Classification Scheme 2023. Collection method: clinical testing. Allele origin: germline.

Labcorp Genetics (formerly Invitae), Labcorp
Classification: Uncertain significance. Last evaluated: 2020-08-05. Review status: criteria provided, single submitter. Criteria: Invitae Variant Classification Sherloc (09022015). Collection method: clinical testing. Allele origin: germline.
Comment: In summary, the available evidence is currently insufficient to determine the role of this variant in disease. Therefore, it has been classified as a Variant of Uncertain Significance. Algorithms developed to predict the effect of missense changes on protein structure and function are either unavailable or do not agree on the potential impact of this missense change (SIFT: "Not Available"; PolyPhen-2: "Probably Damaging"; Align-GVGD: "Not Available"). This variant has not been reported in the literature in individuals with FN1-related conditions. This variant is not present in population databases (ExAC no frequency). This sequence change replaces glycine with serine at codon 2405 of the FN1 protein (p.Gly2405Ser). The glycine residue is highly conserved and there is a small physicochemical difference between glycine and serine.

NM_212482.4(FN1):c.7213G>A (p.Gly2405Ser)

Genes: FN1 (fibronectin 1; minus strand), ATIC (5-aminoimidazole-4-carboxamide ribonucleotide formyltransferase/IMP cyclohydrolase; plus strand). Cytogenetic location: 2q35.
Variant type: single nucleotide variant.
Coding change: c.7213G>A on transcript NM_212482.4 (MANE Select); coding-DNA position 7213, G replaced by A.
Protein change: p.Gly2405Ser; replaces glycine 2405 with serine.
Molecular consequence: missense variant.
Genome position (GRCh38, 1-based): chr2:215,364,917, C>T on the plus strand (G>A on the coding strand, the complement: FN1 is on the minus strand). VCF-style: chr2-215364917-C-T. GRCh37 (hg19) VCF-style: chr2-216229640-C-T.
Other names: c.7120G>A, p.Gly2374Ser (NM_001306129.2); c.6583G>A, p.Gly2195Ser (NM_001306130.2); c.6577G>A, p.Gly2193Ser (NM_001306131.2); c.6502G>A, p.Gly2168Ser (NM_001306132.2); c.6943G>A, p.Gly2315Ser (NM_001365517.2); c.6940G>A, p.Gly2314Ser (NM_001365518.2); c.6868G>A, p.Gly2290Ser (NM_001365519.2); c.6865G>A, p.Gly2289Ser (NM_001365520.2); and 9 more; short protein forms G2193S, G2289S, G2314S, G2168S, G2194S, G2405S, G2104S, G2199S.
Identifiers: ClinVar variation 1046470 (VCV001046470.9), dbSNP rs1314375736, ClinGen allele CA350462593.
Genomic context (GRCh38, chr2:215,364,917, plus strand): 5'-AGCCTGGCACATCCAGTCTTACCCGCTGGCCTCCAAAGCATGTGCAGGAGCAAATGGCAC[C>T]GAGATATTCCTTCTGCCACTGTTCTCCTACGTGGTATGTCTTCCCATCATCATAACACGT-3'
Protein context (NP_997647.2, residues 2395-2415): VGEQWQKEYL[Gly2405Ser]AICSCTCFGG